The following is an entry in ClinVar:

ClinVar aggregate classification (germline): Conflicting classifications of pathogenicity. Review status: criteria provided, conflicting classifications (1 of 4 stars). 2 submissions from 2 submitters: Uncertain significance (1); Likely benign (1). Last evaluated 2023-08-08.

Conditions:
Inborn genetic diseases. Identifiers: MedGen C0950123, MeSH D030342.

Allele frequency attached by ClinVar (database versions not stated): gnomAD 0.00004; gnomAD exomes 0.00004 and 0.00007; TOPMed 0.00004; ExAC 0.00015.
gnomAD v4.1: 108 of 1,559,510 alleles (0.0069%); highest among the groups gnomAD compares: South Asian, 0.014%; no homozygotes.

Submissions (2):

Ambry Genetics
Classification: Likely benign for Inborn genetic diseases. Last evaluated: 2023-08-08. Review status: criteria provided, single submitter. Criteria: Ambry Variant Classification Scheme 2023. Collection method: clinical testing. Allele origin: germline.

Labcorp Genetics (formerly Invitae), Labcorp
Classification: Uncertain significance. Last evaluated: 2022-03-09. Review status: criteria provided, single submitter. Criteria: Invitae Variant Classification Sherloc (09022015). Collection method: clinical testing. Allele origin: germline.
Comment: This sequence change replaces glycine, which is neutral and non-polar, with serine, which is neutral and polar, at codon 774 of the COL18A1 protein (p.Gly774Ser). The frequency data for this variant in the population databases is considered unreliable, as metrics indicate poor data quality at this position in the gnomAD database. This variant has not been reported in the literature in individuals affected with COL18A1-related conditions. Experimental studies and prediction algorithms are not available or were not evaluated, and the functional significance of this variant is currently unknown. In summary, the available evidence is currently insufficient to determine the role of this variant in disease. Therefore, it has been classified as a Variant of Uncertain Significance.

NM_001379500.1(COL18A1):c.2320G>A (p.Gly774Ser)

Gene: COL18A1 (collagen type XVIII alpha 1 chain; plus strand). Cytogenetic location: 21q22.3.
Variant type: single nucleotide variant.
Coding change: c.2320G>A on transcript NM_001379500.1 (MANE Select); coding-DNA position 2320, G replaced by A.
Protein change: p.Gly774Ser; replaces glycine 774 with serine.
Molecular consequence: missense variant.
Genome position (GRCh38, 1-based): chr21:45,493,543, G>A. VCF-style: chr21-45493543-G-A. GRCh37 (hg19) VCF-style: chr21-46913457-G-A.
Other names: NM_130445.2:c.2320G>A; c.2860G>A, p.Gly954Ser (NM_030582.4); c.3565G>A, p.Gly1189Ser (NM_130444.3); short protein forms G774S, G1189S, G954S.
Identifiers: ClinVar variation 1364445 (VCV001364445.4), dbSNP rs762806573, ClinGen allele CA10066986.